The following is an entry in ClinVar:

ClinVar aggregate classification (germline): Uncertain significance (1 of 4 stars; one submission).

Conditions:
DYRK1A-related intellectual disability syndrome (MRD7). Also called: DYRK1A Syndrome; Intellectual developmental disorder, autosomal dominant 7. Identifiers: Orphanet 464306, MedGen C5568143, MONDO:0013578, OMIM 614104.

Submission:

Labcorp Genetics (formerly Invitae), Labcorp
Classification: Uncertain significance for DYRK1A-related intellectual disability syndrome. Last evaluated: 2025-12-28. Review status: criteria provided, single submitter. Criteria: Invitae Variant Classification Sherloc (09022015). Collection method: clinical testing. Allele origin: germline.
Comment: This sequence change replaces threonine, which is neutral and polar, with serine, which is neutral and polar, at codon 672 of the DYRK1A protein (p.Thr672Ser). This variant is not present in population databases (gnomAD no frequency). This variant has not been reported in the literature in individuals affected with DYRK1A-related conditions. Invitae Evidence Modeling of protein sequence and biophysical properties (such as structural, functional, and spatial information, amino acid conservation, physicochemical variation, residue mobility, and thermodynamic stability) indicates that this missense variant is not expected to disrupt DYRK1A protein function with a negative predictive value of 95%. In summary, the available evidence is currently insufficient to determine the role of this variant in disease. Therefore, it has been classified as a Variant of Uncertain Significance.

NM_001347721.2(DYRK1A):c.1987A>T (p.Thr663Ser)

Gene: DYRK1A (dual specificity tyrosine phosphorylation regulated kinase 1A; plus strand). Cytogenetic location: 21q22.13.
Variant type: single nucleotide variant.
Coding change: c.1987A>T on transcript NM_001347721.2 (MANE Select); coding-DNA position 1987, A replaced by T.
Protein change: p.Thr663Ser; replaces threonine 663 with serine.
Molecular consequence: missense variant. On other transcripts: 3 prime UTR variant (2).
Genome position (GRCh38, 1-based): chr21:37,512,253, A>T. VCF-style: chr21-37512253-A-T. GRCh37 (hg19) VCF-style: chr21-38884556-A-T.
Other names: c.1987A>T, p.Thr663Ser (NM_001347722.2, NM_130436.2); c.1900A>T, p.Thr634Ser (NM_001347723.2); c.2014A>T, p.Thr672Ser (NM_001396.5); c.*390A>T (NM_101395.2); c.*299A>T (NM_130438.2); short protein forms T672S, T634S, T663S.
Identifiers: ClinVar variation 4747402 (VCV004747402.1).